The following is an entry in ClinVar:

ClinVar aggregate classification (germline): Likely benign. Review status: criteria provided, multiple submitters, no conflicts (2 of 4 stars). 5 submissions from 5 submitters: Likely benign (5). Last evaluated 2026-01-20.

Conditions:
Hereditary cancer-predisposing syndrome. Also called: Hereditary Cancer Syndrome; Tumor predisposition; Neoplastic Syndromes, Hereditary; Hereditary neoplastic syndrome. Identifiers: Orphanet 140162, MedGen C0027672, MeSH D009386, MONDO:0015356.
Breast-ovarian cancer, familial, susceptibility to, 3. Also called: RAD51C-Related Breast/Ovarian Cancer. Identifiers: Orphanet 145, MedGen C3150659, MONDO:0013253, OMIM 613399.
Fanconi anemia complementation group O. Also called: RAD51C-Related Fanconi Anemia. Identifiers: Orphanet 84, MedGen C3150653, MONDO:0013248, OMIM 613390.

Allele frequency attached by ClinVar (database versions not stated): gnomAD exomes below 0.00001; gnomAD 0.00001; TOPMed 0.00002; ESP Exome Variant Server 0.00008.
gnomAD v4.1: 4 of 1,610,718 alleles (0.00025%); highest among the groups gnomAD compares: African/African-American, 0.004%; no homozygotes.

Submissions (5):

Labcorp Genetics (formerly Invitae), Labcorp
Classification: Likely benign for Fanconi anemia complementation group O. Last evaluated: 2026-01-20. Review status: criteria provided, single submitter. Criteria: Invitae Variant Classification Sherloc (09022015). Collection method: clinical testing. Allele origin: germline.

Quest Diagnostics Nichols Institute San Juan Capistrano
Classification: Likely benign. Last evaluated: 2025-10-23. Review status: criteria provided, single submitter. Criteria: Quest Diagnostics criteria. Collection method: clinical testing. Allele origin: unknown.

Myriad Genetics, Inc.
Classification: Likely benign for Breast-ovarian cancer, familial, susceptibility to, 3. Last evaluated: 2025-02-19. Review status: criteria provided, single submitter. Criteria: Myriad Autosomal Dominant, Autosomal Recessive and X-Linked Classification Criteria (2023). Collection method: clinical testing. Allele origin: unknown.
Comment: This variant is considered likely benign. This variant is intronic and is not expected to impact mRNA splicing.

Ambry Genetics
Classification: Likely benign for Hereditary cancer-predisposing syndrome. Last evaluated: 2022-09-15. Review status: criteria provided, single submitter. Criteria: Ambry Variant Classification Scheme 2023. Collection method: clinical testing. Allele origin: germline.

GeneDx
Classification: Likely benign. Last evaluated: 2017-05-26. Review status: criteria provided, single submitter. Criteria: GeneDx Variant Classification (06012015). Collection method: clinical testing. Allele origin: germline. Affected: yes.
Comment: This variant is considered likely benign or benign based on one or more of the following criteria: it is a conservative change, it occurs at a poorly conserved position in the protein, it is predicted to be benign by multiple in silico algorithms, and/or has population frequency not consistent with disease.

NM_058216.3(RAD51C):c.905-5C>T

Gene: RAD51C (RAD51 paralog C; plus strand). Cytogenetic location: 17q22.
Variant type: single nucleotide variant.
Coding change: c.905-5C>T on transcript NM_058216.3 (MANE Select); 5 bases into the intron before coding-DNA position 905, C replaced by T.
Molecular consequence: intron variant.
Genome position (GRCh38, 1-based): chr17:58,724,035, C>T. VCF-style: chr17-58724035-C-T. GRCh37 (hg19) VCF-style: chr17-56801396-C-T.
Other names: c.905-5C>T (LRG_314t1).
Identifiers: ClinVar variation 509814 (VCV000509814.15), dbSNP rs371968149, ClinGen allele CA292069110.